The following is an entry in ClinVar:

ClinVar aggregate classification (germline): Uncertain significance (1 of 4 stars; one submission).

Submission:

Ambry Genetics
Classification: Uncertain significance. Last evaluated: 2025-07-13. Review status: criteria provided, single submitter. Criteria: Ambry Variant Classification Scheme 2023. Collection method: clinical testing. Allele origin: germline.
Comment: The p.I572K variant (also known as c.1715T>A), located in coding exon 13 of the RECQL gene, results from a T to A substitution at nucleotide position 1715. The isoleucine at codon 572 is replaced by lysine, an amino acid with dissimilar properties. This amino acid position is conserved. In addition, this alteration is predicted to be tolerated by in silico analysis. Based on the available evidence, the clinical significance of this variant remains unclear.

NM_002907.4(RECQL):c.1715T>A (p.Ile572Lys)

Genes: PYROXD1 (pyridine nucleotide-disulphide oxidoreductase domain 1; plus strand), RECQL (RecQ like helicase; minus strand). Cytogenetic location: 12p12.1.
Variant type: single nucleotide variant.
Coding change: c.1715T>A on transcript NM_002907.4 (MANE Select); coding-DNA position 1715, T replaced by A.
Protein change: p.Ile572Lys; replaces isoleucine 572 with lysine.
Molecular consequence: missense variant. On other transcripts: 3 prime UTR variant (3).
Genome position (GRCh38, 1-based): chr12:21,471,051, A>T on the plus strand (T>A on the coding strand, the complement: RECQL is on the minus strand). VCF-style: chr12-21471051-A-T. GRCh37 (hg19) VCF-style: chr12-21623985-A-T.
Other names: c.1715T>A, p.Ile572Lys (NM_032941.3); c.*2297A>T (NM_001350912.2, NM_001350913.2, NM_024854.5); short protein forms I572K.
Identifiers: ClinVar variation 4152314 (VCV004152314.1).